The following is an entry in ClinVar:

NM_001105206.3(LAMA4):c.2188C>T (p.Arg730Cys)

Gene: LAMA4 (laminin subunit alpha 4; minus strand). Cytogenetic location: 6q21.
Variant type: single nucleotide variant.
Coding change: c.2188C>T on transcript NM_001105206.3 (MANE Select); coding-DNA position 2188, C replaced by T.
Protein change: p.Arg730Cys; replaces arginine 730 with cysteine.
Molecular consequence: missense variant.
Genome position (GRCh38, 1-based): chr6:112,148,322, G>A on the plus strand (C>T on the coding strand, the complement: LAMA4 is on the minus strand). VCF-style: chr6-112148322-G-A. GRCh37 (hg19) VCF-style: chr6-112469524-G-A.
Other names: c.2167C>T (LRG_433t2); c.2167C>T, p.Arg723Cys (NM_001105207.3, NM_002290.5); short protein forms R723C, R730C.
Identifiers: ClinVar variation 450799 (VCV000450799.11), dbSNP rs782482395, ClinGen allele CA3965541.

ClinVar aggregate classification (germline): Uncertain significance. Review status: criteria provided, multiple submitters, no conflicts (2 of 4 stars). 3 submissions from 3 submitters: Uncertain significance (3). Last evaluated 2025-12-08.

Conditions:
Dilated cardiomyopathy 1JJ (CMD1JJ). Identifiers: Orphanet 154, MedGen C3808935, MONDO:0014095, OMIM 615235.
Cardiovascular phenotype. Identifiers: MedGen CN230736.

Allele frequency attached by ClinVar (database versions not stated): gnomAD 0.00001; TOPMed 0.00001; ExAC 0.00002; gnomAD exomes 0.00003.
gnomAD v4.1: 41 of 1,614,012 alleles (0.0025%); highest among the groups gnomAD compares: East Asian, 0.0089%; no homozygotes.

Submissions (3):

Labcorp Genetics (formerly Invitae), Labcorp
Classification: Uncertain significance for Dilated cardiomyopathy 1JJ. Last evaluated: 2025-12-08. Review status: criteria provided, single submitter. Criteria: Invitae Variant Classification Sherloc (09022015). Collection method: clinical testing. Allele origin: germline.
Comment: This sequence change replaces arginine, which is basic and polar, with cysteine, which is neutral and slightly polar, at codon 723 of the LAMA4 protein (p.Arg723Cys). This variant is present in population databases (rs782482395, gnomAD 0.02%). This variant has not been reported in the literature in individuals affected with LAMA4-related conditions. ClinVar contains an entry for this variant (Variation ID: 450799). Invitae Evidence Modeling of protein sequence and biophysical properties (such as structural, functional, and spatial information, amino acid conservation, physicochemical variation, residue mobility, and thermodynamic stability) indicates that this missense variant is not expected to disrupt LAMA4 protein function with a negative predictive value of 80%. In summary, the available evidence is currently insufficient to determine the role of this variant in disease. Therefore, it has been classified as a Variant of Uncertain Significance.

Ambry Genetics
Classification: Uncertain significance for Cardiovascular phenotype. Last evaluated: 2025-01-21. Review status: criteria provided, single submitter. Criteria: Ambry Variant Classification Scheme 2023. Collection method: clinical testing. Allele origin: germline.
Comment: The p.R723C variant (also known as c.2167C>T), located in coding exon 17 of the LAMA4 gene, results from a C to T substitution at nucleotide position 2167. The arginine at codon 723 is replaced by cysteine, an amino acid with highly dissimilar properties. This amino acid position is conserved. In addition, the in silico prediction for this alteration is inconclusive. Based on the available evidence, the clinical significance of this variant remains unclear.

GeneDx
Classification: Uncertain significance. Last evaluated: 2024-01-18. Review status: criteria provided, single submitter. Criteria: GeneDx Variant Classification Process June 2021. Collection method: clinical testing. Allele origin: germline. Affected: yes.
Comment: Has not been previously published as pathogenic or benign to our knowledge; In silico analysis supports that this missense variant does not alter protein structure/function